The following is an entry in ClinVar:

ClinVar aggregate classification (germline): Pathogenic. Review status: criteria provided, multiple submitters, no conflicts (2 of 4 stars). 3 submissions from 3 submitters: Pathogenic (2). 1 of the submissions does not count toward it. Last evaluated 2023-09-25.

Conditions:
Chuvash polycythemia. Also called: POLYCYTHEMIA, VHL-DEPENDENT. Identifiers: Orphanet 238557, MedGen C1837915, MONDO:0009892, OMIM 263400.
Von Hippel-Lindau syndrome (VHLS). Also called: Von Hippel-Lindau; von Hippel–Lindau syndrome; VHL syndrome. Identifiers: Orphanet 892, MedGen C0019562, MONDO:0008667, OMIM 193300. Disease mechanism: loss of function.
VHL-related disorder. Also called: VHL-related condition.

Submissions (3):

Institute of Human Genetics, FAU Erlangen, Friedrich-Alexander-Universität Erlangen-Nürnberg
Classification: Pathogenic for Von Hippel-Lindau syndrome. Last evaluated: 2023-09-25. Review status: criteria provided, single submitter. Criteria: Hauer et al. (Genet Med. 2018). Collection method: clinical testing. Allele origin: germline. Inheritance: Unknown mechanism. Affected: yes. Observed: 1 variant allele.
Comment: This variant has been identified by standard clinical testing. Selected ACMG criteria: Pathogenic (I):PP4;PM2;PVS1

Labcorp Genetics (formerly Invitae), Labcorp
Classification: Pathogenic for Von Hippel-Lindau syndrome; Chuvash polycythemia. Last evaluated: 2021-09-26. Review status: criteria provided, single submitter. Criteria: Invitae Variant Classification Sherloc (09022015). Collection method: clinical testing. Allele origin: germline.
Comment: This variant is not present in population databases (ExAC no frequency). This sequence change creates a premature translational stop signal (p.Lys159*) in the VHL gene. While this is not anticipated to result in nonsense mediated decay, it is expected to disrupt the last 55 amino acid(s) of the VHL protein. This premature translational stop signal has been observed in individual(s) with clinical features of von Hippel-Lindau syndrome (Invitae). For these reasons, this variant has been classified as Pathogenic. This variant disrupts a region of the VHL protein in which other variant(s) (p.Glu189Lysfs*13) have been determined to be pathogenic (PMID: 9452032, 24132471; Invitae). This suggests that this is a clinically significant region of the protein, and that variants that disrupt it are likely to be disease-causing. Algorithms developed to predict the effect of sequence changes on RNA splicing suggest that this variant may create or strengthen a splice site.

PreventionGenetics, part of Exact Sciences
Classification: Pathogenic for VHL-related condition. Last evaluated: 2024-06-11. Review status: no assertion criteria provided. Collection method: clinical testing. Allele origin: germline. Not counted in ClinVar's aggregate classification.
Comment: The VHL c.475A>T variant is predicted to result in premature protein termination (p.Lys159*). To our knowledge, this variant has not been reported in the literature. This variant has not been reported in a large population database, indicating this variant is rare. This variant is interpreted as pathogenic in ClinVar. Nonsense variants in VHL are expected to be pathogenic. This variant is interpreted as pathogenic.

Literature cited by the submitters: PubMed 9452032 (cited by Labcorp Genetics (formerly Invitae), Labcorp); PubMed 24132471 (cited by Labcorp Genetics (formerly Invitae), Labcorp).

NM_000551.4(VHL):c.475A>T (p.Lys159Ter)

Genes: VHL (von Hippel-Lindau tumor suppressor; plus strand), LOC107303340 (3p25 von Hippel-Lindau tumor suppressor, E3 ubiquitin protein ligase Alu-mediated recombination region; plus strand). Cytogenetic location: 3p25.3.
Variant type: single nucleotide variant.
Coding change: c.475A>T on transcript NM_000551.4 (MANE Select); coding-DNA position 475, A replaced by T.
Protein change: p.Lys159Ter; replaces lysine 159 with a stop codon.
Molecular consequence: nonsense. On other transcripts: 3 prime UTR variant (1).
Genome position (GRCh38, 1-based): chr3:10,149,798, A>T. VCF-style: chr3-10149798-A-T. GRCh37 (hg19) VCF-style: chr3-10191482-A-T.
Other names: c.*29A>T (NM_001354723.2); c.352A>T, p.Lys118Ter (NM_198156.3); c.475A>T (NM_000551.3); short protein forms K159*, K118*.
Identifiers: ClinVar variation 1451803 (VCV001451803.8), dbSNP rs1575932011, ClinGen allele CA351756080.